The following is an entry in ClinVar:

NM_020738.4(KIDINS220):c.746C>T (p.Thr249Met)

Gene: KIDINS220 (kinase D interacting substrate 220; minus strand). Cytogenetic location: 2p25.1.
Variant type: single nucleotide variant.
Coding change: c.746C>T on transcript NM_020738.4 (MANE Select); coding-DNA position 746, C replaced by T.
Protein change: p.Thr249Met; replaces threonine 249 with methionine.
Molecular consequence: missense variant. On other transcripts: non-coding transcript variant (2).
Genome position (GRCh38, 1-based): chr2:8,802,985, G>A on the plus strand (C>T on the coding strand, the complement: KIDINS220 is on the minus strand). VCF-style: chr2-8802985-G-A. GRCh37 (hg19) VCF-style: chr2-8943115-G-A.
Other names: c.749C>T, p.Thr250Met (NM_001348729.2, NM_001348731.2, NM_001348734.2 and 3 more transcripts); c.746C>T, p.Thr249Met (NM_001348732.2, NM_001348735.2, NM_001348738.2 and 3 more transcripts); c.620C>T, p.Thr207Met (NM_001348736.2); short protein forms T207M, T249M, T250M.
Identifiers: ClinVar variation 1032094 (VCV001032094.8), dbSNP rs771589853, ClinGen allele CA345772866.

ClinVar aggregate classification (germline): Uncertain significance. Review status: criteria provided, multiple submitters, no conflicts (2 of 4 stars). 4 submissions from 4 submitters: Uncertain significance (4). Last evaluated 2025-07-07.

Conditions:
KIDINS220-related disorder. Also called: KIDINS220-related condition.
Spastic paraplegia, intellectual disability, nystagmus, and obesity. Also called: Spastic paraplegia, intellectual disability, nystagmus, and obesity;. Identifiers: Orphanet 521390, MedGen C4284592, MONDO:0015007, OMIM 617296.
Inborn genetic diseases. Identifiers: MedGen C0950123, MeSH D030342.

Allele frequency attached by ClinVar (database versions not stated): gnomAD 0.00001; TOPMed 0.00002.
gnomAD v4.1: 25 of 1,613,680 alleles (0.0015%); highest among the groups gnomAD compares: East Asian, 0.0022%; no homozygotes.

Submissions (4):

PreventionGenetics, part of Exact Sciences
Classification: Uncertain significance for KIDINS220-related condition. Last evaluated: 2025-07-07. Review status: criteria provided, single submitter. Criteria: ACMG Guidelines, 2015. Collection method: clinical testing. Allele origin: germline.
Comment: The KIDINS220 c.746C>T variant is predicted to result in the amino acid substitution p.Thr249Met. To our knowledge, this variant has not been reported in the literature. This variant is reported in 0.0056% of alleles in individuals of East Asian descent in gnomAD. At this time, the clinical significance of this variant is uncertain due to the absence of conclusive functional and genetic evidence.

Ambry Genetics
Classification: Uncertain significance for Inborn genetic diseases. Last evaluated: 2024-10-01. Review status: criteria provided, single submitter. Criteria: Ambry Variant Classification Scheme 2023. Collection method: clinical testing. Allele origin: germline.

Labcorp Genetics (formerly Invitae), Labcorp
Classification: Uncertain significance. Last evaluated: 2022-10-29. Review status: criteria provided, single submitter. Criteria: Invitae Variant Classification Sherloc (09022015). Collection method: clinical testing. Allele origin: germline.
Comment: The frequency data for this variant in the population databases is considered unreliable, as metrics indicate poor data quality at this position in the gnomAD database. This sequence change replaces threonine, which is neutral and polar, with methionine, which is neutral and non-polar, at codon 249 of the KIDINS220 protein (p.Thr249Met). This variant has not been reported in the literature in individuals affected with KIDINS220-related conditions. In summary, the available evidence is currently insufficient to determine the role of this variant in disease. Therefore, it has been classified as a Variant of Uncertain Significance. Algorithms developed to predict the effect of missense changes on protein structure and function are either unavailable or do not agree on the potential impact of this missense change (SIFT: "Deleterious"; PolyPhen-2: "Possibly Damaging"; Align-GVGD: "Class C0"). ClinVar contains an entry for this variant (Variation ID: 1032094).

Baylor Genetics
Classification: Uncertain significance for Spastic paraplegia, intellectual disability, nystagmus, and obesity. Last evaluated: 2018-05-18. Review status: criteria provided, single submitter. Criteria: ACMG Guidelines, 2015. Collection method: clinical testing. Allele origin: unknown. Affected: yes.
Comment: This variant was determined to be of uncertain significance according to ACMG Guidelines, 2015 [PMID:25741868].